The following is an entry in ClinVar:

NM_004260.4(RECQL4):c.1036G>T (p.Ala346Ser)

Gene: RECQL4 (RecQ like helicase 4; minus strand). Cytogenetic location: 8q24.3.
Variant type: single nucleotide variant.
Coding change: c.1036G>T on transcript NM_004260.4 (MANE Select); coding-DNA position 1036, G replaced by T.
Protein change: p.Ala346Ser; replaces alanine 346 with serine.
Molecular consequence: missense variant. On other transcripts: 5 prime UTR variant (16), non-coding transcript variant (3), intron variant (3).
Genome position (GRCh38, 1-based): chr8:144,516,083, C>A on the plus strand (G>T on the coding strand, the complement: RECQL4 is on the minus strand). VCF-style: chr8-144516083-C-A. GRCh37 (hg19) VCF-style: chr8-145741467-C-A.
Other names: c.1036G>T, p.Ala346Ser (NM_001413018.1, NM_001413019.1, NM_001413033.1 and 2 more transcripts); c.-36G>T (NM_001413021.1, NM_001413022.1, NM_001413023.1 and 7 more transcripts); c.907G>T, p.Ala303Ser (NM_001413025.1); c.-98G>T (NM_001413027.1, NM_001413030.1, NM_001413031.1 and 2 more transcripts); c.685G>T, p.Ala229Ser (NM_001413029.1); c.-305G>T (NM_001413043.1); c.954-14G>T (NM_001413017.1, NM_001413020.1); c.-22-14G>T (NM_001413034.1); and 1 more; short protein forms A229S, A346S, A303S.
Identifiers: ClinVar variation 2810480 (VCV002810480.4), dbSNP rs770798229, ClinGen allele CA372688245.

ClinVar aggregate classification (germline): Uncertain significance. Review status: criteria provided, multiple submitters, no conflicts (2 of 4 stars). 2 submissions from 2 submitters: Uncertain significance (2). Last evaluated 2025-09-28.

Conditions:
Baller-Gerold syndrome (BGS). Also called: CRANIOSYNOSTOSIS WITH RADIAL DEFECTS. Identifiers: Orphanet 1225, MedGen C0265308, MONDO:0009039, OMIM 218600.
Inborn genetic diseases. Identifiers: MedGen C0950123, MeSH D030342.

Submissions (2):

Ambry Genetics
Classification: Uncertain significance for Inborn genetic diseases. Last evaluated: 2025-09-28. Review status: criteria provided, single submitter. Criteria: Ambry Variant Classification Scheme 2023. Collection method: clinical testing. Allele origin: germline.
Comment: The p.A346S variant (also known as c.1036G>T), located in coding exon 5 of the RECQL4 gene, results from a G to T substitution at nucleotide position 1036. The alanine at codon 346 is replaced by serine, an amino acid with similar properties. This amino acid position is conserved. In addition, this alteration is predicted to be tolerated by in silico analysis. Based on the available evidence, the clinical significance of this variant remains unclear.

Labcorp Genetics (formerly Invitae), Labcorp
Classification: Uncertain significance for Baller-Gerold syndrome. Last evaluated: 2022-10-29. Review status: criteria provided, single submitter. Criteria: Invitae Variant Classification Sherloc (09022015). Collection method: clinical testing. Allele origin: germline.
Comment: Algorithms developed to predict the effect of sequence changes on RNA splicing suggest that this variant may create or strengthen a splice site. In summary, the available evidence is currently insufficient to determine the role of this variant in disease. Therefore, it has been classified as a Variant of Uncertain Significance. Advanced modeling of protein sequence and biophysical properties (such as structural, functional, and spatial information, amino acid conservation, physicochemical variation, residue mobility, and thermodynamic stability) performed at Invitae indicates that this missense variant is not expected to disrupt RECQL4 protein function. This variant has not been reported in the literature in individuals affected with RECQL4-related conditions. This variant is not present in population databases (gnomAD no frequency). This sequence change replaces alanine, which is neutral and non-polar, with serine, which is neutral and polar, at codon 346 of the RECQL4 protein (p.Ala346Ser).